The following is an entry in ClinVar:

NM_014159.7(SETD2):c.4325C>T (p.Ser1442Leu)

Gene: SETD2 (SET domain containing 2, histone lysine methyltransferase; minus strand). Cytogenetic location: 3p21.31.
Variant type: single nucleotide variant.
Coding change: c.4325C>T on transcript NM_014159.7 (MANE Select); coding-DNA position 4325, C replaced by T.
Protein change: p.Ser1442Leu; replaces serine 1442 with leucine.
Molecular consequence: missense variant. On other transcripts: non-coding transcript variant (1).
Genome position (GRCh38, 1-based): chr3:47,120,311, G>A on the plus strand (C>T on the coding strand, the complement: SETD2 is on the minus strand). VCF-style: chr3-47120311-G-A. GRCh37 (hg19) VCF-style: chr3-47161801-G-A.
Other names: c.4193C>T, p.Ser1398Leu (NM_001349370.3); short protein forms S1398L, S1442L.
Identifiers: ClinVar variation 3901823 (VCV003901823.1).

ClinVar aggregate classification (germline): Uncertain significance (1 of 4 stars; one submission).

gnomAD v4.1: 1 of 1,613,800 alleles (0.000062%); highest among the groups gnomAD compares: African/African-American, 0.0013%; no homozygotes.

Submission:

GeneDx
Classification: Uncertain significance. Last evaluated: 2024-12-03. Review status: criteria provided, single submitter. Criteria: GeneDx Variant Classification Process June 2021. Collection method: clinical testing. Allele origin: germline. Affected: yes.
Comment: Not observed at significant frequency in large population cohorts (gnomAD); In silico analysis indicates that this missense variant does not alter protein structure/function; Has not been previously published as pathogenic or benign to our knowledge